The following is an entry in ClinVar:

NM_001384900.1(SEMA3D):c.273T>C (p.Phe91=)

Gene: SEMA3D (semaphorin 3D; minus strand). Cytogenetic location: 7q21.11.
Variant type: single nucleotide variant.
Coding change: c.273T>C on transcript NM_001384900.1 (MANE Select); coding-DNA position 273, T replaced by C.
Protein change: p.Phe91=; no amino-acid change (phenylalanine 91 retained).
Molecular consequence: synonymous variant.
Genome position (GRCh38, 1-based): chr7:85,097,844, A>G on the plus strand (T>C on the coding strand, the complement: SEMA3D is on the minus strand). VCF-style: chr7-85097844-A-G. GRCh37 (hg19) VCF-style: chr7-84727160-A-G.
Other names: c.273T>C, p.Phe91= (NM_001384901.1, NM_001384902.1, NM_001384903.1 and 1 more transcripts).
Identifiers: ClinVar variation 735887 (VCV000735887.5), dbSNP rs145504028, ClinGen allele CA4323819.

ClinVar aggregate classification (germline): Likely benign. Review status: criteria provided, multiple submitters, no conflicts (2 of 4 stars). 3 submissions from 3 submitters: Likely benign (2). 1 of the submissions does not count toward it. Last evaluated 2018-02-25.

Conditions:
SEMA3D-related disorder. Also called: SEMA3D-related condition.

Allele frequency attached by ClinVar (database versions not stated): gnomAD exomes 0.00001 and 0.00004; ExAC 0.00005; ESP Exome Variant Server 0.00008; TOPMed 0.00015; gnomAD 0.00016 and 0.00019.
gnomAD v4.1: 44 of 1,607,884 alleles (0.0027%); highest among the groups gnomAD compares: African/African-American, 0.054%; no homozygotes.

Submissions (3):

Labcorp Genetics (formerly Invitae), Labcorp
Classification: Likely benign. Last evaluated: 2018-02-25. Review status: criteria provided, single submitter. Criteria: Invitae Variant Classification Sherloc (09022015). Collection method: clinical testing. Allele origin: germline.

Breakthrough Genomics
Classification: Likely benign. Review status: criteria provided, single submitter. Criteria: ACMG Guidelines, 2015. Collection method: not provided. Allele origin: germline. Inheritance: Unknown mechanism. Affected: yes.

PreventionGenetics, part of Exact Sciences
Classification: Likely benign for SEMA3D-related condition. Last evaluated: 2022-04-22. Review status: no assertion criteria provided. Collection method: clinical testing. Allele origin: germline. Not counted in ClinVar's aggregate classification.
Comment: This variant is classified as likely benign based on ACMG/AMP sequence variant interpretation guidelines (Richards et al. 2015 PMID: 25741868, with internal and published modifications).